The following is an entry in ClinVar:

ClinVar aggregate classification (germline): Uncertain significance (1 of 4 stars; one submission).

Allele frequency attached by ClinVar (database versions not stated): gnomAD 0.00003; TOPMed 0.00003.
gnomAD v4.1: 72 of 1,613,410 alleles (0.0045%); highest among the groups gnomAD compares: Non-Finnish European, 0.0053%; no homozygotes.

Submission:

Labcorp Genetics (formerly Invitae), Labcorp
Classification: Uncertain significance. Last evaluated: 2022-09-15. Review status: criteria provided, single submitter. Criteria: Invitae Variant Classification Sherloc (09022015). Collection method: clinical testing. Allele origin: germline.
Comment: This sequence change replaces arginine, which is basic and polar, with tryptophan, which is neutral and slightly polar, at codon 866 of the CARMIL2 protein (p.Arg866Trp). This variant is present in population databases (no rsID available, gnomAD 0.003%). This variant has not been reported in the literature in individuals affected with CARMIL2-related conditions. ClinVar contains an entry for this variant (Variation ID: 1448279). Advanced modeling of protein sequence and biophysical properties (such as structural, functional, and spatial information, amino acid conservation, physicochemical variation, residue mobility, and thermodynamic stability) performed at Invitae indicates that this missense variant is not expected to disrupt CARMIL2 protein function. Algorithms developed to predict the effect of sequence changes on RNA splicing suggest that this variant may disrupt the consensus splice site. In summary, the available evidence is currently insufficient to determine the role of this variant in disease. Therefore, it has been classified as a Variant of Uncertain Significance.

NM_001013838.3(CARMIL2):c.2596C>T (p.Arg866Trp)

Gene: CARMIL2 (capping protein regulator and myosin 1 linker 2; plus strand). Cytogenetic location: 16q22.1.
Variant type: single nucleotide variant.
Coding change: c.2596C>T on transcript NM_001013838.3 (MANE Select); coding-DNA position 2596, C replaced by T.
Protein change: p.Arg866Trp; replaces arginine 866 with tryptophan.
Molecular consequence: missense variant.
Genome position (GRCh38, 1-based): chr16:67,651,928, C>T. VCF-style: chr16-67651928-C-T. GRCh37 (hg19) VCF-style: chr16-67685831-C-T.
Other names: c.2488C>T, p.Arg830Trp (NM_001317026.3); short protein forms R830W, R866W.
Identifiers: ClinVar variation 1448279 (VCV001448279.5), dbSNP rs759780746, ClinGen allele CA283209267.